The following is an entry in ClinVar:

NM_012471.3(TRPC5):c.1545T>A (p.Leu515=)

Gene: TRPC5 (transient receptor potential cation channel subfamily C member 5; minus strand). Cytogenetic location: Xq23.
Variant type: single nucleotide variant.
Coding change: c.1545T>A on transcript NM_012471.3 (MANE Select); coding-DNA position 1545, T replaced by A.
Protein change: p.Leu515=; no amino-acid change (leucine 515 retained).
Molecular consequence: synonymous variant.
Genome position (GRCh38, 1-based): chrX:111,847,269, A>T on the plus strand (T>A on the coding strand, the complement: TRPC5 is on the minus strand). VCF-style: chrX-111847269-A-T. GRCh37 (hg19) VCF-style: chrX-111090497-A-T.
Identifiers: ClinVar variation 4989590 (VCV004989590.1).
Genomic context (GRCh38, chrX:111,847,269, plus strand): 5'-CAGTCCATTGGCAAAAGCTAGTAGTACCAGGCAGTAGATAAAGAGGAATTTGAGGATATC[A>T]AGCAGCATGCGTCCCAAAGAGATCTGCAGAGGTCCTAAGTGGGAGTTGGCTGTGAACAGG-3'
Protein context (NP_036603.1, residues 505-525): PLQISLGRML[Leu515=]DILKFLFIYC

ClinVar aggregate classification (germline): Likely benign (1 of 4 stars; one submission).

Conditions:
TRPC5-related disorder. Also called: TRPC5-related condition.

Submission:

PreventionGenetics, part of Exact Sciences
Classification: Likely benign for TRPC5-related condition. Last evaluated: 2025-01-30. Review status: criteria provided, single submitter. Criteria: ACMG Guidelines, 2015. Collection method: clinical testing. Allele origin: germline.
Comment: This variant is classified as likely benign based on ACMG/AMP sequence variant interpretation guidelines (Richards et al. 2015 PMID: 25741868, with internal and published modifications).